The following is an entry in ClinVar:

NM_002968.3(SALL1):c.2800A>G (p.Ser934Gly)

Gene: SALL1 (spalt like transcription factor 1; minus strand). Cytogenetic location: 16q12.1.
Variant type: single nucleotide variant.
Coding change: c.2800A>G on transcript NM_002968.3 (MANE Select); coding-DNA position 2800, A replaced by G.
Protein change: p.Ser934Gly; replaces serine 934 with glycine.
Molecular consequence: missense variant.
Genome position (GRCh38, 1-based): chr16:51,139,422, T>C on the plus strand (A>G on the coding strand, the complement: SALL1 is on the minus strand). VCF-style: chr16-51139422-T-C. GRCh37 (hg19) VCF-style: chr16-51173333-T-C.
Other names: c.2509A>G, p.Ser837Gly (NM_001127892.2); short protein forms S837G, S934G.
Identifiers: ClinVar variation 2834343 (VCV002834343.3), dbSNP rs2506485227, ClinGen allele CA395883777.
Genomic context (GRCh38, chr16:51,139,422, plus strand): 5'-TTGGGACCGCTCTCTGTGGTTTCTCCTCAATGCTGGGTGACTTGTGGAACTCCTGCGTGC[T>C]GTTGGACGGGGACAGAGCCTGCATGGAAGAGGTAGACTCTGAGATGGCTGGGCTGCCAGC-3'
Protein context (NP_002959.2, residues 924-944): SSMQALSPSN[Ser934Gly]TQEFHKSPSI

ClinVar aggregate classification (germline): Uncertain significance (1 of 4 stars; one submission).

Conditions:
Townes syndrome (TBS). Also called: Townes-Brocks syndrome. Identifiers: Orphanet 857, MedGen C0265246, MeSH C536974, MONDO:0007142.

Allele frequency attached by ClinVar (database versions not stated): gnomAD exomes below 0.00001.
gnomAD v4.1: 1 of 1,614,178 alleles (0.000062%); highest among the groups gnomAD compares: South Asian, 0.0011%; no homozygotes.

Submission:

Labcorp Genetics (formerly Invitae), Labcorp
Classification: Uncertain significance for Townes syndrome. Last evaluated: 2023-02-03. Review status: criteria provided, single submitter. Criteria: Invitae Variant Classification Sherloc (09022015). Collection method: clinical testing. Allele origin: germline.
Comment: In summary, the available evidence is currently insufficient to determine the role of this variant in disease. Therefore, it has been classified as a Variant of Uncertain Significance. Advanced modeling of protein sequence and biophysical properties (such as structural, functional, and spatial information, amino acid conservation, physicochemical variation, residue mobility, and thermodynamic stability) performed at Invitae indicates that this missense variant is not expected to disrupt SALL1 protein function. This variant has not been reported in the literature in individuals affected with SALL1-related conditions. This variant is not present in population databases (gnomAD no frequency). This sequence change replaces serine, which is neutral and polar, with glycine, which is neutral and non-polar, at codon 934 of the SALL1 protein (p.Ser934Gly).